The following is an entry in ClinVar:

NM_006180.6(NTRK2):c.2375G>A (p.Arg792His)

Gene: NTRK2 (neurotrophic receptor tyrosine kinase 2; plus strand). Cytogenetic location: 9q21.33.
Variant type: single nucleotide variant.
Coding change: c.2375G>A on transcript NM_006180.6 (MANE Select); coding-DNA position 2375, G replaced by A.
Protein change: p.Arg792His; replaces arginine 792 with histidine.
Molecular consequence: missense variant.
Genome position (GRCh38, 1-based): chr9:85,021,295, G>A. VCF-style: chr9-85021295-G-A. GRCh37 (hg19) VCF-style: chr9-87636210-G-A.
Other names: c.2327G>A, p.Arg776His (NM_001018064.3, NM_001369532.1, NM_001369533.1); c.2291G>A, p.Arg764His (NM_001369534.1); c.1859G>A, p.Arg620His (NM_001369535.1); c.1907G>A, p.Arg636His (NM_001369536.1); short protein forms R776H, R792H, R636H, R764H, R620H.
Identifiers: ClinVar variation 1508458 (VCV001508458.8), dbSNP rs957713208, ClinGen allele CA195831011.

ClinVar aggregate classification (germline): Uncertain significance (1 of 4 stars; one submission).

Allele frequency attached by ClinVar (database versions not stated): gnomAD exomes below 0.00001 and 0.00001.
gnomAD v4.1: 13 of 1,613,936 alleles (0.00081%); highest among the groups gnomAD compares: East Asian, 0.0022%; no homozygotes.

Submission:

Labcorp Genetics (formerly Invitae), Labcorp
Classification: Uncertain significance. Last evaluated: 2022-07-06. Review status: criteria provided, single submitter. Criteria: Invitae Variant Classification Sherloc (09022015). Collection method: clinical testing. Allele origin: germline.
Comment: This sequence change replaces arginine, which is basic and polar, with histidine, which is basic and polar, at codon 792 of the NTRK2 protein (p.Arg792His). The frequency data for this variant in the population databases is considered unreliable, as metrics indicate poor data quality at this position in the gnomAD database. This variant has not been reported in the literature in individuals affected with NTRK2-related conditions. ClinVar contains an entry for this variant (Variation ID: 1508458). Algorithms developed to predict the effect of missense changes on protein structure and function are either unavailable or do not agree on the potential impact of this missense change (SIFT: "Deleterious"; PolyPhen-2: "Probably Damaging"; Align-GVGD: "Class C0"). In summary, the available evidence is currently insufficient to determine the role of this variant in disease. Therefore, it has been classified as a Variant of Uncertain Significance.